The following is an entry in ClinVar:

ClinVar aggregate classification (germline): Likely pathogenic (1 of 4 stars; one submission).

Conditions:
Cardiovascular phenotype. Identifiers: MedGen CN230736.
Hereditary cancer-predisposing syndrome. Also called: Neoplastic Syndromes, Hereditary; Tumor predisposition; Hereditary Cancer Syndrome; Hereditary neoplastic syndrome. Identifiers: Orphanet 140162, MedGen C0027672, MeSH D009386, MONDO:0015356.

Submission:

Ambry Genetics
Classification: Likely pathogenic for Cardiovascular phenotype; Hereditary cancer-predisposing syndrome. Last evaluated: 2021-02-24. Review status: criteria provided, single submitter. Criteria: Ambry Variant Classification Scheme 2023. Collection method: clinical testing. Allele origin: germline.
Comment: The c.1261-5_1262delTCTAGTC variant results from a deletion of 7 nucleotides between positions c.1261-5 and c.1262 and involves the canonical splice acceptor site before coding exon 12 of the NF1 gene. The canonical splice acceptor site is highly conserved in available vertebrate species. In silico splice site analysis predicts that this alteration will weaken the native splice acceptor site. RNA studies have demonstrated that this alteration results in abnormal splicing in the set of samples tested (Ambry internal data). Other alterations impacting the same acceptor site (c.1261-1G>T, c.1261-2A>C, and c.1261-2A>G) have been shown to have a similar impact on splicing in an individual with a clinical diagnosis or suspicion of neurofibromatosis type 1 (Ars E et al. J Med Genet, 2003 Jun;40:e82; Brinckmann A et al. Electrophoresis, 2007 Dec;28:4295-301; Pros E et al. Hum Mutat, 2008 Sep;29:E173-93). This variant was not reported in population-based cohorts in the Genome Aggregation Database (gnomAD). Based on the majority of available evidence to date, this variant is likely to be pathogenic.

NM_001042492.3(NF1):c.1261-5_1262del

Gene: NF1 (neurofibromin 1; plus strand). Cytogenetic location: 17q11.2.
Variant type: Deletion.
Coding change: c.1261-5_1262del on transcript NM_001042492.3 (MANE Select); 5 bases into the intron before coding-DNA position 1261 through coding-DNA position 1262, 7 bases deleted (TCTAGTC; older notation c.1261-5_1262delTCTAGTC).
Molecular consequence: splice acceptor variant.
Genome position (GRCh38, 1-based): chr17:31,206,235-31,206,241, TCTAGTC deleted; deleting any 7 consecutive bases within chr17:31,206,233-31,206,241 gives the same sequence; the c. name uses the placement nearest the transcript's 3' end. VCF-style (leftmost placement, unchanged base first): chr17-31206232-TTCTCTAG-T. GRCh37 (hg19) VCF-style: chr17-29533250-TTCTCTAG-T.
Other names: c.1261-5_1262delTCTAGTC (NM_000267.3); c.1261-5_1262del (NM_000267.4, NM_001128147.3).
Identifiers: ClinVar variation 1763234 (VCV001763234.2), dbSNP rs2544810711, ClinGen allele CA2580093016.